The following is an entry in ClinVar:

ClinVar aggregate classification (germline): Uncertain significance (1 of 4 stars; one submission).

Conditions:
Ataxia-telangiectasia syndrome (AT). Also called: Ataxia-telangiectasia, complementation group D; AT, COMPLEMENTATION GROUP C; ATAXIA-TELANGIECTASIA, COMPLEMENTATION GROUP A; ATAXIA-TELANGIECTASIA, FRESNO VARIANT; Ataxia-telangiectasia, complementation group E; LOUIS-BAR SYNDROME. Identifiers: Orphanet 100, MedGen C0004135, MONDO:0008840, OMIM 208900.

Allele frequency attached by ClinVar (database versions not stated): gnomAD exomes below 0.00001.
gnomAD v4.1: 1 of 1,613,760 alleles (0.000062%); highest among the groups gnomAD compares: Non-Finnish European, 0.000085%; no homozygotes.

Submission:

Labcorp Genetics (formerly Invitae), Labcorp
Classification: Uncertain significance for Ataxia-telangiectasia syndrome. Last evaluated: 2024-09-06. Review status: criteria provided, single submitter. Criteria: Invitae Variant Classification Sherloc (09022015). Collection method: clinical testing. Allele origin: germline.
Comment: This sequence change replaces serine, which is neutral and polar, with leucine, which is neutral and non-polar, at codon 2685 of the ATM protein (p.Ser2685Leu). This variant is not present in population databases (gnomAD no frequency). This variant has not been reported in the literature in individuals affected with ATM-related conditions. ClinVar contains an entry for this variant (Variation ID: 1976030). An algorithm developed to predict the effect of missense changes on protein structure and function (PolyPhen-2) suggests that this variant is likely to be disruptive. In summary, the available evidence is currently insufficient to determine the role of this variant in disease. Therefore, it has been classified as a Variant of Uncertain Significance.

NM_000051.4(ATM):c.8054C>T (p.Ser2685Leu)

Genes: ATM (ATM serine/threonine kinase; plus strand), C11orf65 (chromosome 11 open reading frame 65; minus strand). Cytogenetic location: 11q22.3.
Variant type: single nucleotide variant.
Coding change: c.8054C>T on transcript NM_000051.4 (MANE Select); coding-DNA position 8054, C replaced by T.
Protein change: p.Ser2685Leu; replaces serine 2685 with leucine.
Molecular consequence: missense variant. On other transcripts: intron variant (2).
Genome position (GRCh38, 1-based): chr11:108,335,012, C>T. VCF-style: chr11-108335012-C-T. GRCh37 (hg19) VCF-style: chr11-108205739-C-T.
Other names: c.8054C>T, p.Ser2685Leu (NM_001351834.2); c.641-25941G>A (NM_001330368.2); c.*38+208G>A (NM_001351110.2); short protein forms S2685L.
Identifiers: ClinVar variation 1976030 (VCV001976030.5), dbSNP rs2086676230, ClinGen allele CA382561939.
Genomic context (GRCh38, chr11:108,335,012, plus strand): 5'-GTTTATACTTTTATTAGGTGGACCACACAGGAGAATATGGAAATCTGGTGACTATACAGT[C>T]ATTTAAAGCAGAATTTCGCTTAGCAGGAGGTGTAAATTTACCAAAAATAATAGATTGTGT-3'
Protein context (NP_000042.3, residues 2675-2695): GEYGNLVTIQ[Ser2685Leu]FKAEFRLAGG